The following is an entry in ClinVar:

ClinVar aggregate classification (germline): Uncertain significance (1 of 4 stars; one submission).

Submission:

Ambry Genetics
Classification: Uncertain significance. Last evaluated: 2025-09-04. Review status: criteria provided, single submitter. Criteria: Ambry Variant Classification Scheme 2023. Collection method: clinical testing. Allele origin: germline.
Comment: The p.G720D variant (also known as c.2159G>A), located in coding exon 9 of the WNK2 gene, results from a G to A substitution at nucleotide position 2159. The glycine at codon 720 is replaced by aspartic acid, an amino acid with similar properties. This amino acid position is conserved. In addition, this alteration is predicted to be tolerated by in silico analysis. Based on the available evidence, the clinical significance of this variant remains unclear.

NM_006648.4(WNK2):c.2159G>A (p.Gly720Asp)

Gene: WNK2 (WNK lysine deficient protein kinase 2; plus strand). Cytogenetic location: 9q22.31.
Variant type: single nucleotide variant.
Coding change: c.2159G>A on transcript NM_006648.4 (MANE Select); coding-DNA position 2159, G replaced by A.
Protein change: p.Gly720Asp; replaces glycine 720 with aspartic acid.
Molecular consequence: missense variant.
Genome position (GRCh38, 1-based): chr9:93,256,423, G>A. VCF-style: chr9-93256423-G-A. GRCh37 (hg19) VCF-style: chr9-96018705-G-A.
Other names: c.2159G>A, p.Gly720Asp (NM_001282394.3); short protein forms G720D.
Identifiers: ClinVar variation 4201872 (VCV004201872.1).